The following is an entry in ClinVar:

ClinVar aggregate classification (germline): Uncertain significance (1 of 4 stars; one submission).

Submission:

Labcorp Genetics (formerly Invitae), Labcorp
Classification: Uncertain significance. Last evaluated: 2022-02-19. Review status: criteria provided, single submitter. Criteria: Invitae Variant Classification Sherloc (09022015). Collection method: clinical testing. Allele origin: germline.
Comment: Algorithms developed to predict the effect of missense changes on protein structure and function (SIFT, PolyPhen-2, Align-GVGD) all suggest that this variant is likely to be tolerated. This sequence change replaces glycine, which is neutral and non-polar, with serine, which is neutral and polar, at codon 998 of the SKIV2L protein (p.Gly998Ser). This variant is not present in population databases (gnomAD no frequency). This variant has not been reported in the literature in individuals affected with SKIV2L-related conditions. In summary, the available evidence is currently insufficient to determine the role of this variant in disease. Therefore, it has been classified as a Variant of Uncertain Significance.

NM_006929.5(SKIC2):c.2992G>A (p.Gly998Ser)

Gene: SKIC2 (SKI2 subunit of superkiller complex; plus strand). Cytogenetic location: 6p21.33.
Variant type: single nucleotide variant.
Coding change: c.2992G>A on transcript NM_006929.5 (MANE Select); coding-DNA position 2992, G replaced by A.
Protein change: p.Gly998Ser; replaces glycine 998 with serine.
Molecular consequence: missense variant.
Genome position (GRCh38, 1-based): chr6:31,968,461, G>A. VCF-style: chr6-31968461-G-A. GRCh37 (hg19) VCF-style: chr6-31936238-G-A.
Other names: short protein forms G998S.
Identifiers: ClinVar variation 2099465 (VCV002099465.4), dbSNP rs2482998201, ClinGen allele CA363481339.
Genomic context (GRCh38, chr6:31,968,461, plus strand): 5'-GGACCTCCCACCCTCGACCCTGTCAATGACCTGCAGCTCAAAGATATGTCAGTTGTAGAG[G>A]GTGGGCTCCGGGCCCGGAAGCTGGAGGAGCTGATCCAGGGGGCTCAGTGTGTACACAGCC-3'
Protein context (NP_008860.4, residues 988-1008): LQLKDMSVVE[Gly998Ser]GLRARKLEEL